The following is an entry in ClinVar:

ClinVar aggregate classification (germline): Likely pathogenic (1 of 4 stars; one submission).

Submission:

Mayo Clinic Laboratories, Mayo Clinic
Classification: Likely pathogenic. Last evaluated: 2022-12-19. Review status: criteria provided, single submitter. Criteria: ACMG Guidelines, 2015. Collection method: clinical testing. Allele origin: germline. Observed: 1 variant allele.
Comment: PP3, PM2, PM6, PS4_moderate

NM_000132.4(F8):c.1331A>C (p.Lys444Thr)

Gene: F8 (coagulation factor VIII; minus strand). Cytogenetic location: Xq28.
Variant type: single nucleotide variant.
Coding change: c.1331A>C on transcript NM_000132.4 (MANE Select); coding-DNA position 1331, A replaced by C.
Protein change: p.Lys444Thr; replaces lysine 444 with threonine.
Molecular consequence: missense variant.
Genome position (GRCh38, 1-based): chrX:154,966,082, T>G on the plus strand (A>C on the coding strand, the complement: F8 is on the minus strand). VCF-style: chrX-154966082-T-G. GRCh37 (hg19) VCF-style: chrX-154194357-T-G.
Other names: p.Lys444Thr; short protein forms K444T.
Identifiers: ClinVar variation 2683585 (VCV002683585.1), dbSNP rs28937272, ClinGen allele CA414914983.